The following is an entry in ClinVar:

ClinVar aggregate classification (germline): Likely benign (1 of 4 stars; one submission).

Allele frequency attached by ClinVar (database versions not stated): gnomAD 0.00014; TOPMed 0.00014.
gnomAD v4.1: 85 of 1,166,293 alleles (0.0073%); highest among the groups gnomAD compares: African/African-American, 0.016%; no homozygotes.

Submission:

CeGaT Center for Human Genetics Tuebingen
Classification: Likely benign. Last evaluated: 2023-02-01. Review status: criteria provided, single submitter. Criteria: CeGaT Center For Human Genetics Tuebingen Variant Classification Criteria Version 2. Collection method: clinical testing. Allele origin: germline. Affected: yes. Observed: 1 variant allele.
Comment: RBMXL3: BP4, BS2

NM_001145346.2(RBMXL3):c.362C>T (p.Pro121Leu)

Genes: LRCH2 (leucine rich repeats and calponin homology domain containing 2; minus strand), RBMXL3 (RBMX like 3; plus strand). Cytogenetic location: Xq23.
Variant type: single nucleotide variant.
Coding change: c.362C>T on transcript NM_001145346.2 (MANE Select); coding-DNA position 362, C replaced by T.
Protein change: p.Pro121Leu; replaces proline 121 with leucine.
Molecular consequence: missense variant. On other transcripts: intron variant (2).
Genome position (GRCh38, 1-based): chrX:115,189,803, C>T. VCF-style: chrX-115189803-C-T. GRCh37 (hg19) VCF-style: chrX-114424366-C-T.
Other names: c.350-1433G>A (NM_001243963.2, NM_020871.4); short protein forms P121L.
Identifiers: ClinVar variation 2661231 (VCV002661231.24), dbSNP rs891360915, ClinGen allele CA334058193.